The following is an entry in ClinVar:

NM_000210.4(ITGA6):c.343A>T (p.Met115Leu)

Genes: ITGA6 (integrin subunit alpha 6; plus strand), PDK1-AS1 (PDK1 and ITGA6 antisense RNA 1; minus strand). Cytogenetic location: 2q31.1.
Variant type: single nucleotide variant.
Coding change: c.343A>T on transcript NM_000210.4 (MANE Select); coding-DNA position 343, A replaced by T.
Protein change: p.Met115Leu; replaces methionine 115 with leucine.
Molecular consequence: missense variant. On other transcripts: initiator codon variant (1).
Genome position (GRCh38, 1-based): chr2:172,467,516, A>T. VCF-style: chr2-172467516-A-T. GRCh37 (hg19) VCF-style: chr2-173332244-A-T.
Other names: c.343A>T, p.Met115Leu (NM_001079818.3, NM_001365529.2, NM_001365530.2 and 1 more transcripts); c.1A>T, p.Met1Leu (NM_001316306.2); short protein forms M1L, M115L.
Identifiers: ClinVar variation 2043614 (VCV002043614.5), dbSNP rs2468291013, ClinGen allele CA349301059.

ClinVar aggregate classification (germline): Uncertain significance (1 of 4 stars; one submission).

Submission:

Labcorp Genetics (formerly Invitae), Labcorp
Classification: Uncertain significance. Last evaluated: 2022-07-12. Review status: criteria provided, single submitter. Criteria: Invitae Variant Classification Sherloc (09022015). Collection method: clinical testing. Allele origin: germline.
Comment: In summary, the available evidence is currently insufficient to determine the role of this variant in disease. Therefore, it has been classified as a Variant of Uncertain Significance. Algorithms developed to predict the effect of missense changes on protein structure and function (SIFT, PolyPhen-2, Align-GVGD) all suggest that this variant is likely to be tolerated. This variant has not been reported in the literature in individuals affected with ITGA6-related conditions. This variant is not present in population databases (gnomAD no frequency). This sequence change replaces methionine, which is neutral and non-polar, with leucine, which is neutral and non-polar, at codon 115 of the ITGA6 protein (p.Met115Leu).